The following is an entry in ClinVar:

ClinVar aggregate classification (germline): Uncertain significance (0 of 4 stars; one submission).

Conditions:
IFT74-related disorder. Also called: IFT74-related condition; IFT74-Related Disorders.

Submission:

PreventionGenetics, part of Exact Sciences
Classification: Uncertain significance for IFT74-related condition. Last evaluated: 2023-11-01. Review status: no assertion criteria provided. Collection method: clinical testing. Allele origin: germline.
Comment: The IFT74 c.1072T>C variant is predicted to result in the amino acid substitution p.Trp358Arg. To our knowledge, this variant has not been reported in the literature or in a large population database, indicating this variant is rare. At this time, the clinical significance of this variant is uncertain due to the absence of conclusive functional and genetic evidence.

NM_025103.4(IFT74):c.1054+7363T>C

Gene: IFT74 (intraflagellar transport 74; plus strand). Cytogenetic location: 9p21.2.
Variant type: single nucleotide variant.
Coding change: c.1054+7363T>C on transcript NM_025103.4 (MANE Select); 7363 bases into the intron after coding-DNA position 1054, T replaced by C.
Molecular consequence: intron variant. On other transcripts: missense variant (1).
Genome position (GRCh38, 1-based): chr9:27,036,467, T>C. VCF-style: chr9-27036467-T-C. GRCh37 (hg19) VCF-style: chr9-27036465-T-C.
Other names: c.1072T>C, p.Trp358Arg (NM_001099224.3); c.1054+7363T>C (NM_001099223.3, NM_001099222.3, NM_001349928.2); short protein forms W358R.
Identifiers: ClinVar variation 3355586 (VCV003355586.1).